The following is an entry in ClinVar:

NM_015450.3(POT1):c.10-1G>A

Gene: POT1 (protection of telomeres 1; minus strand). Cytogenetic location: 7q31.33.
Variant type: single nucleotide variant.
Coding change: c.10-1G>A on transcript NM_015450.3 (MANE Select); the canonical splice acceptor site of the intron before coding-DNA position 10, G replaced by A.
Molecular consequence: splice acceptor variant.
Genome position (GRCh38, 1-based): chr7:124,892,381, C>T on the plus strand (G>A on the coding strand, the complement: POT1 is on the minus strand). VCF-style: chr7-124892381-C-T. GRCh37 (hg19) VCF-style: chr7-124532435-C-T.
Other names: c.-253-1G>A (NM_001042594.2).
Identifiers: ClinVar variation 568503 (VCV000568503.7), dbSNP rs976603098, ClinGen allele CA166095542.

ClinVar aggregate classification (germline): Pathogenic (1 of 4 stars; one submission).

Conditions:
Tumor predisposition syndrome 3 (TPDS3). Also called: Melanoma, cutaneous malignant, susceptibility to, 10; LONG TELOMERE SYNDROME, POT1-RELATED; POT1 Tumor Predisposition; Glioma susceptibility 9. Identifiers: Orphanet 618, MedGen C4014476, MONDO:0014368, OMIM 615848.

Allele frequency attached by ClinVar (database versions not stated): gnomAD exomes below 0.00001.
gnomAD v4.1: 2 of 1,389,092 alleles (0.00014%); highest among the groups gnomAD compares: South Asian, 0.0015%; no homozygotes.

Submission:

Labcorp Genetics (formerly Invitae), Labcorp
Classification: Pathogenic for Tumor predisposition syndrome 3. Last evaluated: 2025-01-27. Review status: criteria provided, single submitter. Criteria: Invitae Variant Classification Sherloc (09022015). Collection method: clinical testing. Allele origin: germline.
Comment: This sequence change affects an acceptor splice site in intron 5 of the POT1 gene. RNA analysis indicates that disruption of this splice site induces altered splicing and may result in an absent or altered protein product. This variant is not present in population databases (gnomAD no frequency). Disruption of this splice site has been observed in individual(s) with POT1-related conditions (PMID: 36539277). ClinVar contains an entry for this variant (Variation ID: 568503). Studies have shown that disruption of this splice site results in activation of a cryptic splice site, and produces a non-functional protein and/or introduces a premature termination codon (internal data). For these reasons, this variant has been classified as Pathogenic.

Literature cited by the submitters: PubMed 36539277.